The following is an entry in ClinVar:

NM_001041.4(SI):c.1285G>A (p.Ala429Thr)

Gene: SI (sucrase-isomaltase; minus strand). Cytogenetic location: 3q26.1.
Variant type: single nucleotide variant.
Coding change: c.1285G>A on transcript NM_001041.4 (MANE Select); coding-DNA position 1285, G replaced by A.
Protein change: p.Ala429Thr; replaces alanine 429 with threonine.
Molecular consequence: missense variant.
Genome position (GRCh38, 1-based): chr3:165,059,076, C>T on the plus strand (G>A on the coding strand, the complement: SI is on the minus strand). VCF-style: chr3-165059076-C-T. GRCh37 (hg19) VCF-style: chr3-164776864-C-T.
Other names: c.1285G>A (NM_001041.3); short protein forms A429T.
Identifiers: ClinVar variation 1349013 (VCV001349013.7), dbSNP rs556583179, ClinGen allele CA2691113.

ClinVar aggregate classification (germline): Uncertain significance. Review status: criteria provided, multiple submitters, no conflicts (2 of 4 stars). 3 submissions from 3 submitters: Uncertain significance (3). Last evaluated 2025-07-16.

Conditions:
Inborn genetic diseases. Identifiers: MedGen C0950123, MeSH D030342.
Sucrase-isomaltase deficiency (CSID). Also called: SI DEFICIENCY; Deficiency of isomaltase; Congenital sucrose isomaltose malabsorption; Sucrose isomaltose enzyme deficiency. Identifiers: Orphanet 35122, MedGen C1283620, MONDO:0009114, OMIM 222900.

Allele frequency attached by ClinVar (database versions not stated): gnomAD exomes 0.00001 and 0.00003; ExAC 0.00002; 1000 Genomes Project 30x 0.00016; gnomAD 0.00019; 1000 Genomes Project 0.00020; TOPMed 0.00020.
gnomAD v4.1: 45 of 1,612,246 alleles (0.0028%); highest among the groups gnomAD compares: African/African-American, 0.035%; no homozygotes.

Submissions (3):

Ambry Genetics
Classification: Uncertain significance for Inborn genetic diseases. Last evaluated: 2025-07-16. Review status: criteria provided, single submitter. Criteria: Ambry Variant Classification Scheme 2023. Collection method: clinical testing. Allele origin: germline.

Fulgent Genetics
Classification: Uncertain significance for Sucrase-isomaltase deficiency. Last evaluated: 2024-04-23. Review status: criteria provided, single submitter. Criteria: ACMG Guidelines, 2015. Collection method: clinical testing. Allele origin: germline.

Labcorp Genetics (formerly Invitae), Labcorp
Classification: Uncertain significance. Last evaluated: 2021-08-07. Review status: criteria provided, single submitter. Criteria: Invitae Variant Classification Sherloc (09022015). Collection method: clinical testing. Allele origin: germline.
Comment: This sequence change replaces alanine with threonine at codon 429 of the SI protein (p.Ala429Thr). The alanine residue is moderately conserved and there is a small physicochemical difference between alanine and threonine. This variant is present in population databases (rs556583179, ExAC 0.02%). This variant has not been reported in the literature in individuals affected with SI-related conditions. Advanced modeling of protein sequence and biophysical properties (such as structural, functional, and spatial information, amino acid conservation, physicochemical variation, residue mobility, and thermodynamic stability) performed at Invitae indicates that this missense variant is expected to disrupt SI protein function. In summary, the available evidence is currently insufficient to determine the role of this variant in disease. Therefore, it has been classified as a Variant of Uncertain Significance.